The following is an entry in ClinVar:

NM_177438.3(DICER1):c.199G>A (p.Gly67Ser)

Gene: DICER1 (dicer 1, ribonuclease III; minus strand). Cytogenetic location: 14q32.13.
Variant type: single nucleotide variant.
Coding change: c.199G>A on transcript NM_177438.3 (MANE Select); coding-DNA position 199, G replaced by A.
Protein change: p.Gly67Ser; replaces glycine 67 with serine.
Molecular consequence: missense variant. On other transcripts: 5 prime UTR variant (9), non-coding transcript variant (6).
Genome position (GRCh38, 1-based): chr14:95,132,623, C>T on the plus strand (G>A on the coding strand, the complement: DICER1 is on the minus strand). VCF-style: chr14-95132623-C-T. GRCh37 (hg19) VCF-style: chr14-95598960-C-T.
Other names: c.199G>A, p.Gly67Ser (NM_001195573.1, NM_001271282.3, NM_001291628.2 and 14 more transcripts); c.-76G>A (NM_001395686.1, NM_001395687.1, NM_001395688.1 and 4 more transcripts); c.-260G>A (NM_001395691.1); c.-1370G>A (NM_001395697.1); short protein forms G67S.
Identifiers: ClinVar variation 4750316 (VCV004750316.1).
Genomic context (GRCh38, chr14:95,132,623, plus strand): 5'-CCCTGATCTGATAGGACAGCTCTTTAGTGAGTAGTACTGCAATAAATGTCTTCCCTGAGC[C>T]AGTGTTTAAACAGACGATGGTATTATGATCCAGAGCTGCTTCAAGCAGTTCAACCTAGAA-3'
Protein context (NP_803187.1, residues 57-77): DHNTIVCLNT[Gly67Ser]SGKTFIAVLL

ClinVar aggregate classification (germline): Uncertain significance (1 of 4 stars; one submission).

Conditions:
DICER1-related tumor predisposition. Also called: DICER1-related pleuropulmonary blastoma cancer predisposition syndrome; DICER1 syndrome. Identifiers: Orphanet 284343, MedGen C3839822, MONDO:0100216.

Submission:

Labcorp Genetics (formerly Invitae), Labcorp
Classification: Uncertain significance for DICER1-related tumor predisposition. Last evaluated: 2025-02-26. Review status: criteria provided, single submitter. Criteria: Invitae Variant Classification Sherloc (09022015). Collection method: clinical testing. Allele origin: germline.
Comment: This sequence change replaces glycine, which is neutral and non-polar, with serine, which is neutral and polar, at codon 67 of the DICER1 protein (p.Gly67Ser). This variant is not present in population databases (gnomAD no frequency). This variant has not been reported in the literature in individuals affected with DICER1-related conditions. Invitae Evidence Modeling of protein sequence and biophysical properties (such as structural, functional, and spatial information, amino acid conservation, physicochemical variation, residue mobility, and thermodynamic stability) indicates that this missense variant is not expected to disrupt DICER1 protein function with a negative predictive value of 95%. In summary, the available evidence is currently insufficient to determine the role of this variant in disease. Therefore, it has been classified as a Variant of Uncertain Significance.